The following is an entry in ClinVar:

ClinVar aggregate classification (germline): Pathogenic/Likely pathogenic. Review status: criteria provided, multiple submitters, no conflicts (2 of 4 stars). 2 submissions from 2 submitters: Pathogenic (1); Likely pathogenic (1). Last evaluated 2022-06-04.

Conditions:
Familial X-linked hypophosphatemic vitamin D refractory rickets (XLHRD). Also called: X-Linked Hypophosphatemia; Hypophosphatemic Rickets, X-Linked Dominant; HYPOPHOSPHATEMIC VITAMIN D-RESISTANT RICKETS; Hypophosphatemia, vitamin D-resistant rickets; Vitamin D-resistant rickets, X-linked. Identifiers: Orphanet 89936, MedGen C0733682, MONDO:0010619, OMIM 307800.

Submissions (2):

Labcorp Genetics (formerly Invitae), Labcorp
Classification: Likely pathogenic. Last evaluated: 2022-06-04. Review status: criteria provided, single submitter. Criteria: Invitae Variant Classification Sherloc (09022015). Collection method: clinical testing. Allele origin: germline.
Comment: In summary, the currently available evidence indicates that the variant is pathogenic, but additional data are needed to prove that conclusively. Therefore, this variant has been classified as Likely Pathogenic. Variants that disrupt the consensus splice site are a relatively common cause of aberrant splicing (PMID: 17576681, 9536098). Algorithms developed to predict the effect of sequence changes on RNA splicing suggest that this variant may disrupt the consensus splice site. ClinVar contains an entry for this variant (Variation ID: 944842). This variant has been observed in individual(s) with XLH (Invitae). It has also been observed to segregate with disease in related individuals. This variant is not present in population databases (gnomAD no frequency). This sequence change affects codon 221 of the PHEX mRNA. It is a 'silent' change, meaning that it does not change the encoded amino acid sequence of the PHEX protein. This variant also falls at the last nucleotide of exon 5, which is part of the consensus splice site for this exon.

Mendelics
Classification: Pathogenic for Familial X-linked hypophosphatemic vitamin D refractory rickets. Last evaluated: 2022-05-04. Review status: criteria provided, single submitter. Criteria: Mendelics Assertion Criteria 2019. Collection method: clinical testing. Allele origin: germline.

Literature cited by the submitters: PubMed 17576681 (cited by Labcorp Genetics (formerly Invitae), Labcorp); PubMed 9536098 (cited by Labcorp Genetics (formerly Invitae), Labcorp).

NM_000444.6(PHEX):c.663G>A (p.Lys221=)

Gene: PHEX (phosphate regulating endopeptidase X-linked; plus strand). Cytogenetic location: Xp22.11.
Variant type: single nucleotide variant.
Coding change: c.663G>A on transcript NM_000444.6 (MANE Select); coding-DNA position 663, G replaced by A.
Protein change: p.Lys221=; no amino-acid change (lysine 221 retained).
Molecular consequence: synonymous variant.
Genome position (GRCh38, 1-based): chrX:22,077,702, G>A. VCF-style: chrX-22077702-G-A. GRCh37 (hg19) VCF-style: chrX-22095820-G-A.
Other names: c.663G>A, p.Lys221= (NM_001282754.2).
Identifiers: ClinVar variation 944842 (VCV000944842.8), dbSNP rs1929220357, ClinGen allele CA515429851.
Genomic context (GRCh38, chrX:22,077,702, plus strand): 5'-TGTGTTCATCCGTTTGTATGTGTCCCCTGATGACAAAGCATCCAATGAACATATCTTGAA[G>A]GTATAATGAGGACCCATTCATCTTCTTTGCTCAGTCCTAGATTAGCCTTTTGGGGTGCCA-3'
Protein context (NP_000435.3, residues 211-231): DDKASNEHIL[Lys221=]LDQATLSLAV